The following is an entry in ClinVar:

NM_004268.5(MED17):c.646_649del (p.Phe216fs)

Gene: MED17 (mediator complex subunit 17; plus strand). Cytogenetic location: 11q21.
Variant type: Deletion.
Coding change: c.646_649del on transcript NM_004268.5 (MANE Select); coding-DNA positions 646 to 649, 4 bases deleted (TTTC; older notation c.646_649delTTTC).
Protein change: p.Phe216fs; shifts the reading frame from phenylalanine 216.
Molecular consequence: frameshift variant.
Genome position (GRCh38, 1-based): chr11:93,793,736-93,793,739, TTTC deleted; deleting any 4 consecutive bases within chr11:93,793,734-93,793,739 gives the same sequence; the c. name uses the placement nearest the transcript's 3' end. VCF-style (leftmost placement, unchanged base first): chr11-93793733-CTCTT-C. GRCh37 (hg19) VCF-style: chr11-93526899-CTCTT-C.
Other names: short protein forms F216fs.
Identifiers: ClinVar variation 2715833 (VCV002715833.3), dbSNP rs2497527420, ClinGen allele CA2607696610.

ClinVar aggregate classification (germline): Pathogenic (1 of 4 stars; one submission).

Submission:

Labcorp Genetics (formerly Invitae), Labcorp
Classification: Pathogenic. Last evaluated: 2023-06-15. Review status: criteria provided, single submitter. Criteria: Invitae Variant Classification Sherloc (09022015). Collection method: clinical testing. Allele origin: germline.
Comment: This sequence change creates a premature translational stop signal (p.Phe216Leufs*8) in the MED17 gene. It is expected to result in an absent or disrupted protein product. Loss-of-function variants in MED17 are known to be pathogenic (PMID: 20950787, 26004231, 30345598). This variant is not present in population databases (gnomAD no frequency). This variant has not been reported in the literature in individuals affected with MED17-related conditions. For these reasons, this variant has been classified as Pathogenic.

Literature cited by the submitters: PubMed 20950787; PubMed 26004231; PubMed 30345598.